The following is an entry in ClinVar:

NM_006922.4(SCN3A):c.2391+6T>C

Gene: SCN3A (sodium voltage-gated channel alpha subunit 3; minus strand). Cytogenetic location: 2q24.3.
Variant type: single nucleotide variant.
Coding change: c.2391+6T>C on transcript NM_006922.4 (MANE Select); 6 bases into the intron after coding-DNA position 2391, T replaced by C.
Molecular consequence: intron variant.
Genome position (GRCh38, 1-based): chr2:165,137,873, A>G on the plus strand (T>C on the coding strand, the complement: SCN3A is on the minus strand). VCF-style: chr2-165137873-A-G. GRCh37 (hg19) VCF-style: chr2-165994383-A-G.
Other names: c.2244+6T>C (NM_001081676.2, NM_001081677.2).
Identifiers: ClinVar variation 1933124 (VCV001933124.5), dbSNP rs1687761321, ClinGen allele CA1304455482.

ClinVar aggregate classification (germline): Uncertain significance (1 of 4 stars; one submission).

Allele frequency attached by ClinVar (database versions not stated): gnomAD exomes below 0.00001; TOPMed 0.00002.
gnomAD v4.1: 1 of 1,587,300 alleles (0.000063%); highest among the groups gnomAD compares: Admixed American, 0.0017%; no homozygotes.

Submission:

Labcorp Genetics (formerly Invitae), Labcorp
Classification: Uncertain significance. Last evaluated: 2023-10-16. Review status: criteria provided, single submitter. Criteria: Invitae Variant Classification Sherloc (09022015). Collection method: clinical testing. Allele origin: germline.
Comment: This sequence change falls in intron 15 of the SCN3A gene. It does not directly change the encoded amino acid sequence of the SCN3A protein. It affects a nucleotide within the consensus splice site. This variant is not present in population databases (gnomAD no frequency). This variant has not been reported in the literature in individuals affected with SCN3A-related conditions. ClinVar contains an entry for this variant (Variation ID: 1933124). Variants that disrupt the consensus splice site are a relatively common cause of aberrant splicing (PMID: 17576681, 9536098). Algorithms developed to predict the effect of sequence changes on RNA splicing suggest that this variant is not likely to affect RNA splicing. In summary, the available evidence is currently insufficient to determine the role of this variant in disease. Therefore, it has been classified as a Variant of Uncertain Significance.

Literature cited by the submitters: PubMed 17576681; PubMed 9536098.